The following is an entry in ClinVar:

ClinVar aggregate classification (germline): Uncertain significance. Review status: criteria provided, multiple submitters, no conflicts (2 of 4 stars). 2 submissions from 2 submitters: Uncertain significance (2). Last evaluated 2026-09-30.

Conditions:
Inborn genetic diseases. Identifiers: MedGen C0950123, MeSH D030342.

Submissions (2):

GeneDx
Classification: Uncertain significance. Last evaluated: 2026-09-30. Review status: criteria provided, single submitter. Criteria: GeneDx Variant Classification Process June 2021. Collection method: clinical testing. Allele origin: germline.
Comment: Not observed at significant frequency in large population cohorts (gnomAD); In silico analysis supports that this missense variant has a deleterious effect on protein structure/function; Has not been previously published as pathogenic or benign to our knowledge

Ambry Genetics
Classification: Uncertain significance for Inborn genetic diseases. Last evaluated: 2024-06-07. Review status: criteria provided, single submitter. Criteria: Ambry Variant Classification Scheme 2023. Collection method: clinical testing. Allele origin: germline.

NM_001368397.1(FRMPD4):c.1553C>G (p.Ser518Cys)

Gene: FRMPD4 (FERM and PDZ domain containing 4; plus strand). Cytogenetic location: Xp22.2.
Variant type: single nucleotide variant.
Coding change: c.1553C>G on transcript NM_001368397.1 (MANE Select); coding-DNA position 1553, C replaced by G.
Protein change: p.Ser518Cys; replaces serine 518 with cysteine.
Molecular consequence: missense variant.
Genome position (GRCh38, 1-based): chrX:12,710,481, C>G. VCF-style: chrX-12710481-C-G. GRCh37 (hg19) VCF-style: chrX-12728600-C-G.
Other names: c.1664C>G, p.Ser555Cys (NM_001368395.3, NM_001368398.3); c.1559C>G, p.Ser520Cys (NM_001368396.3); c.1544C>G, p.Ser515Cys (NM_001368399.3); c.1433C>G, p.Ser478Cys (NM_001368400.3); c.1529C>G, p.Ser510Cys (NM_001368401.1, NM_001368402.3); c.1553C>G, p.Ser518Cys (NM_014728.3); short protein forms S478C, S510C, S515C, S518C, S520C, S555C.
Identifiers: ClinVar variation 1676334 (VCV001676334.4), dbSNP rs2147156606, ClinGen allele CA412009753.
Genomic context (GRCh38, chrX:12,710,481, plus strand): 5'-CCTCAGATGCCATGAACCTGGCCTGCTTGACGGCTGGATACTACCGGCTGCTTGTTGATT[C>G]CAGGAGGTCGATATTTAACATGGCCAACAAGAAAAACACAGCGACCCAGGAAACAGGTAT-3'
Protein context (NP_001355326.1, residues 508-528): TAGYYRLLVD[Ser518Cys]RRSIFNMANK